The following is an entry in ClinVar:

ClinVar aggregate classification (germline): Uncertain significance (1 of 4 stars; one submission).

Conditions:
Developmental and epileptic encephalopathy, 37 (DEE37). Also called: Epileptic encephalopathy, early infantile, 37. Identifiers: MedGen C4310770, MONDO:0014859, OMIM 616981.

Submission:

Labcorp Genetics (formerly Invitae), Labcorp
Classification: Uncertain significance for Developmental and epileptic encephalopathy, 37. Last evaluated: 2022-08-23. Review status: criteria provided, single submitter. Criteria: Invitae Variant Classification Sherloc (09022015). Collection method: clinical testing. Allele origin: germline.
Comment: This sequence change replaces serine, which is neutral and polar, with arginine, which is basic and polar, at codon 175 of the FRRS1L protein (p.Ser175Arg). This variant is not present in population databases (gnomAD no frequency). This variant has not been reported in the literature in individuals affected with FRRS1L-related conditions. ClinVar contains an entry for this variant (Variation ID: 1037816). Algorithms developed to predict the effect of missense changes on protein structure and function are either unavailable or do not agree on the potential impact of this missense change (SIFT: "Deleterious"; PolyPhen-2: "Probably Damaging"; Align-GVGD: "Class C0"). In summary, the available evidence is currently insufficient to determine the role of this variant in disease. Therefore, it has been classified as a Variant of Uncertain Significance.

NM_014334.4(FRRS1L):c.370A>C (p.Ser124Arg)

Gene: FRRS1L (ferric chelate reductase 1 like; minus strand). Cytogenetic location: 9q31.3.
Variant type: single nucleotide variant.
Coding change: c.370A>C on transcript NM_014334.4 (MANE Select); coding-DNA position 370, A replaced by C.
Protein change: p.Ser124Arg; replaces serine 124 with arginine.
Molecular consequence: missense variant.
Genome position (GRCh38, 1-based): chr9:109,147,143, T>G on the plus strand (A>C on the coding strand, the complement: FRRS1L is on the minus strand). VCF-style: chr9-109147143-T-G. GRCh37 (hg19) VCF-style: chr9-111909423-T-G.
Other names: short protein forms S124R.
Identifiers: ClinVar variation 1037816 (VCV001037816.12), dbSNP rs1831273084, ClinGen allele CA374427123.
Genomic context (GRCh38, chr9:109,147,143, plus strand): 5'-CCCAACCATCTGTGTCTGCACTCAGCTCAAATTCTACATCAGCCCCTATCATCCGGTAGC[T>G]GAGGAAATAGTCACAGGTCTCTGCATTACAGCCTGGTTTGCCATATCTAGAAGAGATATC-3'
Protein context (NP_055149.3, residues 114-134): CNAETCDYFL[Ser124Arg]YRMIGADVEF